The following is an entry in ClinVar:

ClinVar aggregate classification (germline): Uncertain significance (1 of 4 stars; one submission).

Allele frequency attached by ClinVar (database versions not stated): gnomAD exomes below 0.00001.
gnomAD v4.1: 3 of 1,609,632 alleles (0.00019%); highest among the groups gnomAD compares: Non-Finnish European, 0.00025%; no homozygotes.

Submission:

Labcorp Genetics (formerly Invitae), Labcorp
Classification: Uncertain significance. Last evaluated: 2018-08-12. Review status: criteria provided, single submitter. Criteria: Invitae Variant Classification Sherloc (09022015). Collection method: clinical testing. Allele origin: germline.
Comment: Algorithms developed to predict the effect of missense changes on protein structure and function (SIFT, PolyPhen-2, Align-GVGD) all suggest that this variant is likely to be tolerated, but these predictions have not been confirmed by published functional studies and their clinical significance is uncertain. In summary, the available evidence is currently insufficient to determine the role of this variant in disease. Therefore, it has been classified as a Variant of Uncertain Significance. This variant has not been reported in the literature in individuals with SCN3A-related disease. This variant is not present in population databases (ExAC no frequency). This sequence change replaces serine with asparagine at codon 1183 of the SCN3A protein (p.Ser1183Asn). The serine residue is moderately conserved and there is a small physicochemical difference between serine and asparagine.

NM_006922.4(SCN3A):c.3548G>A (p.Ser1183Asn)

Gene: SCN3A (sodium voltage-gated channel alpha subunit 3; minus strand). Cytogenetic location: 2q24.3.
Variant type: single nucleotide variant.
Coding change: c.3548G>A on transcript NM_006922.4 (MANE Select); coding-DNA position 3548, G replaced by A.
Protein change: p.Ser1183Asn; replaces serine 1183 with asparagine.
Molecular consequence: missense variant.
Genome position (GRCh38, 1-based): chr2:165,113,937, C>T on the plus strand (G>A on the coding strand, the complement: SCN3A is on the minus strand). VCF-style: chr2-165113937-C-T. GRCh37 (hg19) VCF-style: chr2-165970447-C-T.
Other names: c.3401G>A, p.Ser1134Asn (NM_001081676.2, NM_001081677.2); short protein forms S1134N, S1183N.
Identifiers: ClinVar variation 649809 (VCV000649809.8), dbSNP rs1238498120, ClinGen allele CA349034129.